The following is an entry in ClinVar:

NC_012920.1(MT-CYB):m.15326_15327inv

Gene: MT-CYB (mitochondrially encoded cytochrome b; plus strand).
Variant type: Inversion.
Genome position: chrM-15326-AC-GT.
Identifiers: ClinVar variation 693867 (VCV000693867.1), ClinGen allele CA915952150.

ClinVar aggregate classification (germline): Uncertain significance (1 of 4 stars; one submission).

Conditions:
Leigh syndrome (NULS). Also called: Leigh's necrotizing encephalopathy; Leigh's disease; Leigh's syndrome; LEIGH SYNDROME, NUCLEAR; Leigh Syndrome (mtDNA deletion); Leigh Disease. Identifiers: Orphanet 506, MedGen C2931891, MONDO:0009723, OMIM 256000.

Submission:

Wong Mito Lab, Molecular and Human Genetics, Baylor College of Medicine
Classification: Uncertain significance for Leigh syndrome. Last evaluated: 2019-10-17. Review status: criteria provided, single submitter. Criteria: Modified ACMG Guidelines (Unpublished). Collection method: clinical testing. Allele origin: germline.
Comment: The NC_012920.1:m.15326_15327inv (YP_003024038.1:p.Thr194Val) variant in MTCYB gene is interpretated to be a Uncertain Significance variant based on the modified ACMG guidelines (unpublished). This variant meets the following evidence codes: BS4